The following is an entry in ClinVar:

ClinVar aggregate classification (germline): Likely benign. Review status: criteria provided, multiple submitters, no conflicts (2 of 4 stars). 7 submissions from 7 submitters: Likely benign (6). 1 of the submissions does not count toward it. Last evaluated 2025-11-12.

Conditions:
Cardiovascular phenotype. Identifiers: MedGen CN230736.
TAFAZZIN-related disorder. Also called: TAFAZZIN-Related Disorders; TAFAZZIN-related condition.
3-Methylglutaconic aciduria type 2 (BTHS). Also called: CARDIOSKELETAL MYOPATHY WITH NEUTROPENIA AND ABNORMAL MITOCHONDRIA; Barth syndrome. Identifiers: Orphanet 111, MedGen C0574083, MONDO:0010543, OMIM 302060.

Allele frequency attached by ClinVar (database versions not stated): gnomAD 0.00008; TOPMed 0.00012; ESP Exome Variant Server 0.00019; 1000 Genomes Project 0.00026; 1000 Genomes Project 30x 0.00042.
gnomAD v4.1: 23 of 1,209,808 alleles (0.0019%); highest among the groups gnomAD compares: African/African-American, 0.03%; no homozygotes.

Submissions (7):

Labcorp Genetics (formerly Invitae), Labcorp
Classification: Likely benign for 3-Methylglutaconic aciduria type 2. Last evaluated: 2025-11-12. Review status: criteria provided, single submitter. Criteria: Invitae Variant Classification Sherloc (09022015). Collection method: clinical testing. Allele origin: germline.

Women's Health and Genetics/Laboratory Corporation of America, LabCorp
Classification: Likely benign. Last evaluated: 2025-10-29. Review status: criteria provided, single submitter. Criteria: LabCorp Variant Classification Summary - May 2015. Collection method: clinical testing. Allele origin: germline.
Comment: Variant summary: TAFAZZIN c.657C>T alters a conserved nucleotide resulting in a synonymous change. Consensus agreement among computation tools predict no significant impact on normal splicing. However, these predictions have yet to be confirmed by functional studies. The variant allele was found at a frequency of 1.9e-05 in 1209808 control chromosomes in the gnomAD database, including 7 hemizygous male controls. This frequency is not significantly higher than estimated for disease-causing variants in TAFAZZIN, allowing no conclusion about variant significance. c.657C>T has been observed in the presumed heterozygous state in at least 2 individual(s) affected with dilated cardiomyopathy and at least 1 individual affected with left ventricular noncompaction without strong evidence for causality, however the association of TAFAZZIN with these conditions in isolation is not established at this time (example, Kindel_2012, Lakdawala_2012, Pugh_2014). These report(s) do not provide unequivocal conclusions about association of the variant with 3-Methylglutaconic aciduria type 2. To our knowledge, no experimental evidence demonstrating an impact on protein function has been reported. The following publications have been ascertained in the context of this evaluation (PMID: 22555271, 22464770, 24503780). ClinVar contains an entry for this variant (Variation ID: 177789). Based on the evidence outlined above, the variant was classified as likely benign.

CeGaT Center for Human Genetics Tuebingen
Classification: Likely benign. Last evaluated: 2024-03-01. Review status: criteria provided, single submitter. Criteria: CeGaT Center For Human Genetics Tuebingen Variant Classification Criteria Version 2. Collection method: clinical testing. Allele origin: germline. Affected: yes. Observed: 1 variant allele.
Comment: TAFAZZIN: BP4, BP7, BS2

Ambry Genetics
Classification: Likely benign for Cardiovascular phenotype. Last evaluated: 2019-09-23. Review status: criteria provided, single submitter. Criteria: Ambry Variant Classification Scheme 2023. Collection method: clinical testing. Allele origin: germline.

GeneDx
Classification: Likely benign. Last evaluated: 2017-05-01. Review status: criteria provided, single submitter. Criteria: GeneDx Variant Classification (06012015). Collection method: clinical testing. Allele origin: germline. Affected: yes.
Comment: This variant is considered likely benign or benign based on one or more of the following criteria: it is a conservative change, it occurs at a poorly conserved position in the protein, it is predicted to be benign by multiple in silico algorithms, and/or has population frequency not consistent with disease.

Laboratory for Molecular Medicine, Mass General Brigham Personalized Medicine
Classification: Likely benign. Last evaluated: 2012-08-10. Review status: criteria provided, single submitter. Criteria: LMM Criteria. Collection method: clinical testing. Allele origin: germline. Observed: 1 variant allele.
Comment: proposed classification - variant undergoing re-assessment, contact laboratory

PreventionGenetics, part of Exact Sciences
Classification: Likely benign for TAFAZZIN-related condition. Last evaluated: 2019-06-18. Review status: no assertion criteria provided. Collection method: clinical testing. Allele origin: germline. Not counted in ClinVar's aggregate classification.
Comment: This variant is classified as likely benign based on ACMG/AMP sequence variant interpretation guidelines (Richards et al. 2015 PMID: 25741868, with internal and published modifications).

Literature cited by the submitters: PubMed 22555271 (cited by Women's Health and Genetics/Laboratory Corporation of America, LabCorp); PubMed 22464770 (cited by Women's Health and Genetics/Laboratory Corporation of America, LabCorp); PubMed 24503780 (cited by Women's Health and Genetics/Laboratory Corporation of America, LabCorp).

NM_000116.5(TAFAZZIN):c.657C>T (p.Asp219=)

Gene: TAFAZZIN (tafazzin, phospholipid-lysophospholipid transacylase; plus strand). Cytogenetic location: Xq28.
Variant type: single nucleotide variant.
Coding change: c.657C>T on transcript NM_000116.5 (MANE Select); coding-DNA position 657, C replaced by T.
Protein change: p.Asp219=; no amino-acid change (aspartic acid 219 retained).
Molecular consequence: synonymous variant. On other transcripts: non-coding transcript variant (1).
Genome position (GRCh38, 1-based): chrX:154,420,222, C>T. VCF-style: chrX-154420222-C-T. GRCh37 (hg19) VCF-style: chrX-153648561-C-T.
Other names: c.669C>T, p.Asp223= (NM_001303465.2); c.567C>T, p.Asp189= (NM_181311.4); c.615C>T, p.Asp205= (NM_181312.4); c.525C>T, p.Asp175= (NM_181313.4).
Identifiers: ClinVar variation 177789 (VCV000177789.41), dbSNP rs140751478, ClinGen allele CA180770.